The following is an entry in ClinVar:

ClinVar aggregate classification (germline): Uncertain significance. Review status: criteria provided, single submitter (1 of 4 stars). 3 submissions from 3 submitters: Uncertain significance (1). 2 of the submissions do not count toward it. Last evaluated 2025-06-23.

Conditions:
Malignant hyperthermia, susceptibility to, 1 (MHS1). Also called: Malignant hyperthermia suceptibility 1; Anesthesia related hyperthermia; Malignant hyperpyrexia; Fulminating hyperpyrexia; Pharmacogenic myopathy; RYR1-Related Malignant Hyperthermia Susceptibility. Identifiers: Orphanet 423, MedGen C2930980, MONDO:0007783, OMIM 145600.

Allele frequency attached by ClinVar (database versions not stated): gnomAD exomes below 0.00001.
gnomAD v4.1: 1 of 1,614,110 alleles (0.000062%); highest among the groups gnomAD compares: Non-Finnish European, 0.000085%; no homozygotes.

Submissions (3):

Color Diagnostics, LLC DBA Color Health
Classification: Uncertain significance for Malignant hyperthermia, susceptibility to, 1. Last evaluated: 2025-06-23. Review status: criteria provided, single submitter. Criteria: ACMG Guidelines, 2015. Collection method: clinical testing. Allele origin: germline.
Comment: This missense variant replaces alanine with valine at codon 399 of the RYR1 protein. Computational prediction suggests that this variant may have deleterious impact on protein structure and function. To our knowledge, functional studies have not been reported for this variant. This variant has not been reported in individuals affected with RYR1-related disorders in the literature. This variant has been identified in 1/251422 chromosomes in the general population by the Genome Aggregation Database (gnomAD). The available evidence is insufficient to determine the role of this variant in disease conclusively. Therefore, this variant is classified as a Variant of Uncertain Significance.

Clinical Genetics DNA and cytogenetics Diagnostics Lab, Erasmus MC, Erasmus Medical Center
Classification: Uncertain significance. Review status: no assertion criteria provided. Collection method: clinical testing. Allele origin: germline. Affected: yes. Study: VKGL Data-share Consensus. Not counted in ClinVar's aggregate classification.

Joint Genome Diagnostic Labs from Nijmegen and Maastricht, Radboudumc and MUMC+
Classification: Uncertain significance. Review status: no assertion criteria provided. Collection method: clinical testing. Allele origin: germline. Affected: yes. Study: VKGL Data-share Consensus. Not counted in ClinVar's aggregate classification.

NM_000540.3(RYR1):c.1196C>T (p.Ala399Val)

Gene: RYR1 (ryanodine receptor 1; plus strand). Cytogenetic location: 19q13.2.
Variant type: single nucleotide variant.
Coding change: c.1196C>T on transcript NM_000540.3 (MANE Select); coding-DNA position 1196, C replaced by T.
Protein change: p.Ala399Val; replaces alanine 399 with valine.
Molecular consequence: missense variant.
Genome position (GRCh38, 1-based): chr19:38,451,837, C>T. VCF-style: chr19-38451837-C-T. GRCh37 (hg19) VCF-style: chr19-38942477-C-T.
Other names: c.1196C>T, p.Ala399Val (NM_001042723.2); short protein forms A399V.
Identifiers: ClinVar variation 1297636 (VCV001297636.4), dbSNP rs1443878514, ClinGen allele CA405683827.